The following is an entry in ClinVar:

ClinVar aggregate classification (germline): Uncertain significance (1 of 4 stars; one submission).

Submission:

Labcorp Genetics (formerly Invitae), Labcorp
Classification: Uncertain significance. Last evaluated: 2026-01-19. Review status: criteria provided, single submitter. Criteria: Invitae Variant Classification Sherloc (09022015). Collection method: clinical testing. Allele origin: germline.
Comment: This sequence change replaces alanine, which is neutral and non-polar, with aspartic acid, which is acidic and polar, at codon 152 of the SNRPB protein (p.Ala152Asp). This variant is not present in population databases (gnomAD no frequency). This variant has not been reported in the literature in individuals affected with SNRPB-related conditions. An algorithm developed to predict the effect of missense changes on protein structure and function (PolyPhen-2) suggests that this variant is likely to be disruptive. In summary, the available evidence is currently insufficient to determine the role of this variant in disease. Therefore, it has been classified as a Variant of Uncertain Significance.

NM_003091.4(SNRPB):c.455C>A (p.Ala152Asp)

Gene: SNRPB (small nuclear ribonucleoprotein polypeptides B and B1; minus strand). Cytogenetic location: 20p13.
Variant type: single nucleotide variant.
Coding change: c.455C>A on transcript NM_003091.4 (MANE Select); coding-DNA position 455, C replaced by A.
Protein change: p.Ala152Asp; replaces alanine 152 with aspartic acid.
Molecular consequence: missense variant.
Genome position (GRCh38, 1-based): chr20:2,463,193, G>T on the plus strand (C>A on the coding strand, the complement: SNRPB is on the minus strand). VCF-style: chr20-2463193-G-T. GRCh37 (hg19) VCF-style: chr20-2443839-G-T.
Other names: c.455C>A, p.Ala152Asp (NM_198216.2); short protein forms A152D.
Identifiers: ClinVar variation 4760525 (VCV004760525.1).